The following is an entry in ClinVar:

ClinVar aggregate classification (germline): Uncertain significance. Review status: criteria provided, multiple submitters, no conflicts (2 of 4 stars). 2 submissions from 2 submitters: Uncertain significance (2). Last evaluated 2022-02-19.

Conditions:
Cardiovascular phenotype. Identifiers: MedGen CN230736.
Cholestanol storage disease (CTX). Also called: CEREBRAL CHOLESTERINOSIS; CTX: Cerebrotendinous xanthomatosis; Cerebrotendinous Xanthomatosis. Identifiers: Orphanet 909, MedGen C0238052, MONDO:0008948, OMIM 213700.

Allele frequency attached by ClinVar (database versions not stated): TOPMed 0.00003.
gnomAD v4.1: 4 of 1,614,040 alleles (0.00025%); highest among the groups gnomAD compares: African/African-American, 0.004%; no homozygotes.

Submissions (2):

Labcorp Genetics (formerly Invitae), Labcorp
Classification: Uncertain significance for Cholestanol storage disease. Last evaluated: 2022-02-19. Review status: criteria provided, single submitter. Criteria: Invitae Variant Classification Sherloc (09022015). Collection method: clinical testing. Allele origin: germline.
Comment: This sequence change replaces arginine, which is basic and polar, with leucine, which is neutral and non-polar, at codon 225 of the CYP27A1 protein (p.Arg225Leu). This variant is not present in population databases (gnomAD no frequency). This variant has not been reported in the literature in individuals affected with CYP27A1-related conditions. Advanced modeling of protein sequence and biophysical properties (such as structural, functional, and spatial information, amino acid conservation, physicochemical variation, residue mobility, and thermodynamic stability) performed at Invitae indicates that this missense variant is expected to disrupt CYP27A1 protein function. In summary, the available evidence is currently insufficient to determine the role of this variant in disease. Therefore, it has been classified as a Variant of Uncertain Significance.

Ambry Genetics
Classification: Uncertain significance for Cardiovascular phenotype. Last evaluated: 2021-09-22. Review status: criteria provided, single submitter. Criteria: Ambry Variant Classification Scheme 2023. Collection method: clinical testing. Allele origin: germline.

NM_000784.4(CYP27A1):c.674G>T (p.Arg225Leu)

Gene: CYP27A1 (cytochrome P450 family 27 subfamily A member 1; plus strand). Cytogenetic location: 2q35.
Variant type: single nucleotide variant.
Coding change: c.674G>T on transcript NM_000784.4 (MANE Select); coding-DNA position 674, G replaced by T.
Protein change: p.Arg225Leu; replaces arginine 225 with leucine.
Molecular consequence: missense variant.
Genome position (GRCh38, 1-based): chr2:218,812,579, G>T. VCF-style: chr2-218812579-G-T. GRCh37 (hg19) VCF-style: chr2-219677302-G-T.
Other names: c.674G>T (NM_000784.3); short protein forms R225L.
Identifiers: ClinVar variation 2159588 (VCV002159588.2), dbSNP rs753275244, ClinGen allele CA350586085.